The following is an entry in ClinVar:

NM_015909.4(NBAS):c.1451G>A (p.Arg484His)

Gene: NBAS (NBAS subunit of NRZ tethering complex; minus strand). Cytogenetic location: 2p24.3.
Variant type: single nucleotide variant.
Coding change: c.1451G>A on transcript NM_015909.4 (MANE Select); coding-DNA position 1451, G replaced by A.
Protein change: p.Arg484His; replaces arginine 484 with histidine.
Molecular consequence: missense variant. On other transcripts: non-coding transcript variant (1).
Genome position (GRCh38, 1-based): chr2:15,474,215, C>T on the plus strand (G>A on the coding strand, the complement: NBAS is on the minus strand). VCF-style: chr2-15474215-C-T. GRCh37 (hg19) VCF-style: chr2-15614339-C-T.
Other names: short protein forms R484H.
Identifiers: ClinVar variation 1512462 (VCV001512462.3), dbSNP rs753405322, ClinGen allele CA1536675.
Genomic context (GRCh38, chr2:15,474,215, plus strand): 5'-GGTGCAAATCGCTCCATTTCAGTCACCAAGTAAAGGCCCTGTTTTATATAACCAAAGTAG[C>T]GAGCCTTGGCAGATATTTCATAATCAGAATCAGAATCCTCTTCTCCTTCATCTTCTTCTC-3'
Protein context (NP_056993.2, residues 474-494): DSDYEISAKA[Arg484His]YFGYIKQGLY

ClinVar aggregate classification (germline): Uncertain significance (1 of 4 stars; one submission).

Allele frequency attached by ClinVar (database versions not stated): TOPMed 0.00002; gnomAD 0.00002.
gnomAD v4.1: 21 of 1,613,930 alleles (0.0013%); highest among the groups gnomAD compares: Admixed American, 0.005%; no homozygotes.

Submission:

Labcorp Genetics (formerly Invitae), Labcorp
Classification: Uncertain significance. Last evaluated: 2022-09-27. Review status: criteria provided, single submitter. Criteria: Invitae Variant Classification Sherloc (09022015). Collection method: clinical testing. Allele origin: germline.
Comment: This sequence change replaces arginine, which is basic and polar, with histidine, which is basic and polar, at codon 484 of the NBAS protein (p.Arg484His). This variant is present in population databases (rs753405322, gnomAD 0.01%). This variant has not been reported in the literature in individuals affected with NBAS-related conditions. ClinVar contains an entry for this variant (Variation ID: 1512462). Advanced modeling of protein sequence and biophysical properties (such as structural, functional, and spatial information, amino acid conservation, physicochemical variation, residue mobility, and thermodynamic stability) performed at Invitae indicates that this missense variant is not expected to disrupt NBAS protein function. In summary, the available evidence is currently insufficient to determine the role of this variant in disease. Therefore, it has been classified as a Variant of Uncertain Significance.